The following is an entry in ClinVar:

ClinVar aggregate classification (germline): Uncertain significance. Review status: criteria provided, multiple submitters, no conflicts (2 of 4 stars). 2 submissions from 2 submitters: Uncertain significance (2). Last evaluated 2025-08-28.

Conditions:
Hereditary spastic paraplegia 62. Also called: Spastic paraplegia 62, autosomal recessive. Identifiers: Orphanet 401785, MedGen C4284588, MONDO:0014302, OMIM 615681.

Allele frequency attached by ClinVar (database versions not stated): 1000 Genomes Project 0.00020; gnomAD exomes 0.00001; ExAC 0.00008; ESP Exome Variant Server 0.00008; gnomAD 0.00012; TOPMed 0.00013; 1000 Genomes Project 30x 0.00016.
gnomAD v4.1: 35 of 1,610,102 alleles (0.0022%); highest among the groups gnomAD compares: African/African-American, 0.045%; no homozygotes.

Submissions (2):

Ambry Genetics
Classification: Uncertain significance. Last evaluated: 2025-08-28. Review status: criteria provided, single submitter. Criteria: Ambry Variant Classification Scheme 2023. Collection method: clinical testing. Allele origin: germline.

Labcorp Genetics (formerly Invitae), Labcorp
Classification: Uncertain significance for Hereditary spastic paraplegia 62. Last evaluated: 2022-07-11. Review status: criteria provided, single submitter. Criteria: Invitae Variant Classification Sherloc (09022015). Collection method: clinical testing. Allele origin: germline.
Comment: This sequence change replaces isoleucine, which is neutral and non-polar, with threonine, which is neutral and polar, at codon 223 of the ERLIN1 protein (p.Ile223Thr). This variant is present in population databases (rs367978782, gnomAD 0.06%). This variant has not been reported in the literature in individuals affected with ERLIN1-related conditions. Algorithms developed to predict the effect of missense changes on protein structure and function output the following: SIFT: "Tolerated"; PolyPhen-2: "Benign"; Align-GVGD: "Class C0". The threonine amino acid residue is found in multiple mammalian species, which suggests that this missense change does not adversely affect protein function. In summary, the available evidence is currently insufficient to determine the role of this variant in disease. Therefore, it has been classified as a Variant of Uncertain Significance.

NM_006459.4(ERLIN1):c.668T>C (p.Ile223Thr)

Gene: ERLIN1 (ER lipid raft associated 1; minus strand). Cytogenetic location: 10q24.31.
Variant type: single nucleotide variant.
Coding change: c.668T>C on transcript NM_006459.4 (MANE Select); coding-DNA position 668, T replaced by C.
Protein change: p.Ile223Thr; replaces isoleucine 223 with threonine.
Molecular consequence: missense variant. On other transcripts: non-coding transcript variant (6).
Genome position (GRCh38, 1-based): chr10:100,156,222, A>G on the plus strand (T>C on the coding strand, the complement: ERLIN1 is on the minus strand). VCF-style: chr10-100156222-A-G. GRCh37 (hg19) VCF-style: chr10-101915979-A-G.
Other names: c.668T>C (NM_006459.3); c.668T>C, p.Ile223Thr (NM_001100626.2, NM_001347857.2, NM_001347859.2 and 2 more transcripts); c.416T>C, p.Ile139Thr (NM_001347856.2); c.188T>C, p.Ile63Thr (NM_001347858.2); short protein forms I139T, I223T, I63T.
Identifiers: ClinVar variation 2062274 (VCV002062274.4), dbSNP rs367978782, ClinGen allele CA5646026.